The following is an entry in ClinVar:

NM_001267550.2(TTN):c.57544+306G>A

Genes: TTN (titin; minus strand), TTN-AS1 (TTN antisense RNA 1; plus strand). Cytogenetic location: 2q31.2.
Variant type: single nucleotide variant.
Coding change: c.57544+306G>A on transcript NM_001267550.2 (MANE Select); 306 bases into the intron after coding-DNA position 57544, G replaced by A.
Molecular consequence: intron variant.
Genome position (GRCh38, 1-based): chr2:178,597,232, C>T on the plus strand (G>A on the coding strand, the complement: TTN is on the minus strand). VCF-style: chr2-178597232-C-T. GRCh37 (hg19) VCF-style: chr2-179461959-C-T.
Other names: c.30349+306G>A (NM_003319.4); c.30925+306G>A (NM_133437.4); c.30724+306G>A (NM_133432.3); c.49840+306G>A (NM_133378.4); c.52621+306G>A (NM_001256850.1).
Identifiers: ClinVar variation 680851 (VCV000680851.1), dbSNP rs28378468, ClinGen allele CA60974233.

ClinVar aggregate classification (germline): Benign (1 of 4 stars; one submission).

Allele frequency attached by ClinVar (database versions not stated): gnomAD 0.09431 and 0.09488; TOPMed 0.10300; 1000 Genomes Project 0.12700; 1000 Genomes Project 30x 0.12804.
gnomAD v4.1: 14,330 of 152,024 alleles (9.4%); highest among the groups gnomAD compares: African/African-American, 20%; 1,217 homozygotes.

Submission:

GeneDx
Classification: Benign. Last evaluated: 2018-06-14. Review status: criteria provided, single submitter. Criteria: GeneDx Variant Classification (06012015). Collection method: clinical testing. Allele origin: germline. Affected: yes.
Comment: This variant is considered likely benign or benign based on one or more of the following criteria: it is a conservative change, it occurs at a poorly conserved position in the protein, it is predicted to be benign by multiple in silico algorithms, and/or has population frequency not consistent with disease.